The following is an entry in ClinVar:

ClinVar aggregate classification (germline): Pathogenic. Review status: criteria provided, multiple submitters, no conflicts (2 of 4 stars). 2 submissions from 2 submitters: Pathogenic (2). Last evaluated 2024-01-25.

Conditions:
WAC-related neurodevelopmental disorder.
DeSanto-Shinawi syndrome due to WAC point mutation (DESSH). Also called: DEVELOPMENTAL DELAY, BEHAVIORAL ABNORMALITIES, FACIAL DYSMORPHISM, AND OCULAR ABNORMALITIES; WAC-Related Intellectual Disability; Facial dysmorphism-developmental delay-behavioral abnormalities syndrome due to WAC point mutation. Identifiers: Orphanet 284169, Orphanet 466950, MedGen C5681129, MONDO:0014741, OMIM 616708.

Submissions (2):

Institute of Human Genetics, Clinical Exome/Genome Diagnostics Group, University Hospital Bonn
Classification: Pathogenic for DeSanto-Shinawi syndrome due to WAC point mutation. Last evaluated: 2024-01-25. Review status: criteria provided, single submitter. Criteria: ACMG Guidelines, 2015. Collection method: clinical testing. Allele origin: de novo. Affected: yes.

Illumina Laboratory Services, Illumina
Classification: Pathogenic for WAC-related neurodevelopmental disorder. Last evaluated: 2020-07-30. Review status: criteria provided, single submitter. Criteria: ICSLVariantClassificationCriteria RUGD 01 April 2020. Collection method: clinical testing. Allele origin: unknown.
Comment: The WAC c.508C>T (p.Gln170Ter) variant is a stop-gained variant that is predicted to result in a premature termination of the protein. A literature search was performed for the gene, cDNA change, and amino acid change. No publications were found based on this search. This variant is not found in the Genome Aggregation Database in a region of good sequencing coverage, so the variant is presumed to be rare. Based on the predicted truncating nature of the variant, its rarity, and identification in a de novo state, the p.Gln170Ter variant is classified as pathogenic for WAC-related neurodevelopmental disorder.

NM_016628.5(WAC):c.508C>T (p.Gln170Ter)

Gene: WAC (WW domain containing adaptor with coiled-coil; plus strand). Cytogenetic location: 10p12.1.
Variant type: single nucleotide variant.
Coding change: c.508C>T on transcript NM_016628.5 (MANE Select); coding-DNA position 508, C replaced by T.
Protein change: p.Gln170Ter; replaces glutamine 170 with a stop codon.
Molecular consequence: nonsense.
Genome position (GRCh38, 1-based): chr10:28,590,730, C>T. VCF-style: chr10-28590730-C-T. GRCh37 (hg19) VCF-style: chr10-28879659-C-T.
Other names: c.373C>T, p.Gln125Ter (NM_100264.3); c.508C>T, p.Gln170Ter (NM_100486.4); short protein forms Q125*, Q170*.
Identifiers: ClinVar variation 989313 (VCV000989313.5), dbSNP rs1840040809, ClinGen allele CA376401588.